The following is an entry in ClinVar:

NM_005120.3(MED12):c.487A>G (p.Thr163Ala)

Gene: MED12 (mediator complex subunit 12; plus strand). Cytogenetic location: Xq13.1.
Variant type: single nucleotide variant.
Coding change: c.487A>G on transcript NM_005120.3 (MANE Select); coding-DNA position 487, A replaced by G.
Protein change: p.Thr163Ala; replaces threonine 163 with alanine.
Molecular consequence: missense variant.
Genome position (GRCh38, 1-based): chrX:71,120,104, A>G. VCF-style: chrX-71120104-A-G. GRCh37 (hg19) VCF-style: chrX-70339954-A-G.
Other names: c.487A>G (NM_005120.2); short protein forms T163A.
Identifiers: ClinVar variation 3634944 (VCV003634944.5).

ClinVar aggregate classification (germline): Uncertain significance. Review status: criteria provided, multiple submitters, no conflicts (2 of 4 stars). 3 submissions from 3 submitters: Uncertain significance (3). Last evaluated 2025-10-06.

Conditions:
FG syndrome (FGS). Identifiers: MedGen C0220769, MONDO:0002010.
Familial thoracic aortic aneurysm and aortic dissection (TAAD). Also called: Thoracic aortic aneurysms and dissections. Identifiers: Orphanet 91387, MedGen C4707243, MONDO:0019625.

Submissions (3):

Ambry Genetics
Classification: Uncertain significance for Familial thoracic aortic aneurysm and aortic dissection. Last evaluated: 2025-10-06. Review status: criteria provided, single submitter. Criteria: Ambry Variant Classification Scheme 2023. Collection method: clinical testing. Allele origin: germline.

Labcorp Genetics (formerly Invitae), Labcorp
Classification: Uncertain significance for FG syndrome. Last evaluated: 2025-01-01. Review status: criteria provided, single submitter. Criteria: Invitae Variant Classification Sherloc (09022015). Collection method: clinical testing. Allele origin: germline.
Comment: This sequence change replaces threonine, which is neutral and polar, with alanine, which is neutral and non-polar, at codon 163 of the MED12 protein (p.Thr163Ala). This variant is not present in population databases (gnomAD no frequency). This variant has not been reported in the literature in individuals affected with MED12-related conditions. Invitae Evidence Modeling of protein sequence and biophysical properties (such as structural, functional, and spatial information, amino acid conservation, physicochemical variation, residue mobility, and thermodynamic stability) has been performed for this missense variant. However, the output from this modeling did not meet the statistical confidence thresholds required to predict the impact of this variant on MED12 protein function. In summary, the available evidence is currently insufficient to determine the role of this variant in disease. Therefore, it has been classified as a Variant of Uncertain Significance.

GeneDx
Classification: Uncertain significance. Last evaluated: 2024-08-26. Review status: criteria provided, single submitter. Criteria: GeneDx Variant Classification Process June 2021. Collection method: clinical testing. Allele origin: germline. Affected: yes.
Comment: Not observed at significant frequency in large population cohorts (gnomAD); In silico analysis indicates that this missense variant does not alter protein structure/function; Has not been previously published as pathogenic or benign to our knowledge